The following is an entry in ClinVar:

NM_020937.4(FANCM):c.3895A>G (p.Asn1299Asp)

Gene: FANCM (FA complementation group M; plus strand). Cytogenetic location: 14q21.2.
Variant type: single nucleotide variant.
Coding change: c.3895A>G on transcript NM_020937.4 (MANE Select); coding-DNA position 3895, A replaced by G.
Protein change: p.Asn1299Asp; replaces asparagine 1299 with aspartic acid.
Molecular consequence: missense variant.
Genome position (GRCh38, 1-based): chr14:45,176,649, A>G. VCF-style: chr14-45176649-A-G. GRCh37 (hg19) VCF-style: chr14-45645852-A-G.
Other names: c.3817A>G, p.Asn1273Asp (NM_001308133.2); c.3895A>G (NM_020937.3); short protein forms N1273D, N1299D.
Identifiers: ClinVar variation 1704892 (VCV001704892.3), dbSNP rs1208557968, ClinGen allele CA389603446.
Genomic context (GRCh38, chr14:45,176,649, plus strand): 5'-GCACTAATACCAAGAGATCATAGTAAAAATTTTACTAGTGGAACTGTTATTATCCCATCA[A>G]ATGAAGATATGCAGAATCCAAATTATGTACATTTGCCACTGAGTGCAGCAAAAAATGAAG-3'
Protein context (NP_065988.1, residues 1289-1309): FTSGTVIIPS[Asn1299Asp]EDMQNPNYVH

ClinVar aggregate classification (germline): Uncertain significance. Review status: criteria provided, multiple submitters, no conflicts (2 of 4 stars). 2 submissions from 2 submitters: Uncertain significance (2). Last evaluated 2024-06-12.

Allele frequency attached by ClinVar (database versions not stated): gnomAD exomes 0.00001.
gnomAD v4.1: 12 of 1,613,724 alleles (0.00074%); highest among the groups gnomAD compares: Non-Finnish European, 0.001%; no homozygotes.

Submissions (2):

Quest Diagnostics Nichols Institute San Juan Capistrano
Classification: Uncertain significance. Last evaluated: 2024-06-12. Review status: criteria provided, single submitter. Criteria: Quest Diagnostics criteria. Collection method: clinical testing. Allele origin: unknown.
Comment: The FANCM c.3895A>G (p.Asn1299Asp) variant has been reported in the published literature in an individual with a person or family history of breast cancer (PMID: 36707629 (2023)). The frequency of this variant in the general population, 0.000004 (1/250794 chromosomes (Genome Aggregation Database)), is uninformative in the assessment of its pathogenicity. Analysis of this variant using bioinformatics tools for the prediction of the effect of amino acid changes on protein structure and function yielded predictions that this variant is benign. Based on the available information, we are unable to determine the clinical significance of this variant.

GeneDx
Classification: Uncertain significance. Last evaluated: 2022-03-10. Review status: criteria provided, single submitter. Criteria: GeneDx Variant Classification Process June 2021. Collection method: clinical testing. Allele origin: germline. Affected: yes.
Comment: Not observed at significant frequency in large population cohorts (gnomAD); In silico analysis supports that this missense variant does not alter protein structure/function; Has not been previously published as pathogenic or benign to our knowledge

Literature cited by the submitters: PubMed 36707629 (cited by Quest Diagnostics Nichols Institute San Juan Capistrano).